The following is an entry in ClinVar:

ClinVar aggregate classification (germline): Pathogenic (1 of 4 stars; one submission).

Conditions:
Hypertrophic cardiomyopathy 26. Also called: Cardiomyopathy, familial hypertrophic, 26. Identifiers: Orphanet 75249, MedGen C4310749, MONDO:0014883, OMIM 617047.
Myofibrillar myopathy 5. Also called: Filaminopathy (type); FILAMINOPATHY, AUTOSOMAL DOMINANT. Identifiers: Orphanet 171445, MedGen C1836050, MONDO:0012289, OMIM 609524.
Distal myopathy with posterior leg and anterior hand involvement. Also called: WILLIAMS DISTAL MYOPATHY. Identifiers: Orphanet 63273, MedGen C3279722, MONDO:0013550, OMIM 614065.

Submission:

Labcorp Genetics (formerly Invitae), Labcorp
Classification: Pathogenic for Distal myopathy with posterior leg and anterior hand involvement; Myofibrillar myopathy 5; Hypertrophic cardiomyopathy 26. Last evaluated: 2023-10-10. Review status: criteria provided, single submitter. Criteria: Invitae Variant Classification Sherloc (09022015). Collection method: clinical testing. Allele origin: germline.
Comment: This sequence change creates a premature translational stop signal (p.Glu2334Serfs*23) in the FLNC gene. It is expected to result in an absent or disrupted protein product. Loss-of-function variants in FLNC are known to be pathogenic (PMID: 27908349). This variant is not present in population databases (gnomAD no frequency). This variant has not been reported in the literature in individuals affected with FLNC-related conditions. For these reasons, this variant has been classified as Pathogenic.

Literature cited by the submitters: PubMed 27908349.

NM_001458.5(FLNC):c.6998_6999insATCT (p.Glu2334fs)

Genes: FLNC (filamin C; plus strand), FLNC-AS1 (FLNC antisense RNA 1; minus strand). Cytogenetic location: 7q32.1.
Variant type: Insertion.
Coding change: c.6998_6999insATCT on transcript NM_001458.5 (MANE Select); coding-DNA positions 6998 to 6999, ATCT inserted.
Protein change: p.Glu2334fs; shifts the reading frame from glutamic acid 2334.
Molecular consequence: frameshift variant.
Genome position: GRCh38 VCF-style: chr7-128854775-C-CATCT. GRCh37 (hg19) VCF-style: chr7-128494829-C-CATCT.
Other names: c.6899_6900insATCT, p.Glu2301fs (NM_001127487.2); short protein forms E2334fs, E2301fs.
Identifiers: ClinVar variation 2952757 (VCV002952757.3), dbSNP rs2536665807, ClinGen allele CA2740094877.